The following is an entry in ClinVar:

NM_001244008.2(KIF1A):c.4584C>A (p.Ser1528Arg)

Gene: KIF1A (kinesin family member 1A; minus strand). Cytogenetic location: 2q37.3.
Variant type: single nucleotide variant.
Coding change: c.4584C>A on transcript NM_001244008.2 (MANE Select); coding-DNA position 4584, C replaced by A.
Protein change: p.Ser1528Arg; replaces serine 1528 with arginine.
Molecular consequence: missense variant.
Genome position (GRCh38, 1-based): chr2:240,722,537, G>T on the plus strand (C>A on the coding strand, the complement: KIF1A is on the minus strand). VCF-style: chr2-240722537-G-T. GRCh37 (hg19) VCF-style: chr2-241661954-G-T.
Other names: c.4308C>A, p.Ser1436Arg (NM_001320705.2, NM_001379649.1); c.4335C>A, p.Ser1445Arg (NM_001330289.2); c.4383C>A, p.Ser1461Arg (NM_001330290.2, NM_001379648.1); c.4659C>A, p.Ser1553Arg (NM_001379631.1); c.4560C>A, p.Ser1520Arg (NM_001379632.1); c.4557C>A, p.Ser1519Arg (NM_001379633.1, NM_001379645.1); c.4410C>A, p.Ser1470Arg (NM_001379634.1); c.4407C>A, p.Ser1469Arg (NM_001379635.1, NM_001379646.1); and 7 more; short protein forms S1426R, S1445R, S1461R, S1469R, S1427R, S1436R, S1444R, S1465R.
Identifiers: ClinVar variation 2953676 (VCV002953676.3), dbSNP rs747267404, ClinGen allele CA351303963.
Genomic context (GRCh38, chr2:240,722,537, plus strand): 5'-CCTCTCGTTGGGAGCCTCCAGGGGTGATGGGCGGCCCTCAGCCGAGAGCGGGGAGGAGGC[G>T]CTGGAGGAGCCATGGGACTCAGAGTCCTCGCTGAAGGCCGGGGACAGTGCCTCCGGGACA-3'
Protein context (NP_001230937.1, residues 1518-1538): SEDSESHGSS[Ser1528Arg]ASSPLSAEGR

ClinVar aggregate classification (germline): Uncertain significance (1 of 4 stars; one submission).

Conditions:
Neuropathy, hereditary sensory, type 2C. Also called: KIF1A-Related HSAN2 (HSAN2C); Hereditary sensory and autonomic neuropathy type IIC. Identifiers: Orphanet 970, MedGen C3280168, MONDO:0013634, OMIM 614213.
Hereditary spastic paraplegia 30. Identifiers: Orphanet 101010, MedGen C5235139, MONDO:0012476.
Intellectual disability, autosomal dominant 9 (NESCAVS). Also called: NESCAV SYNDROME; KIF1A-Related Neurodevelopmental Disorder. Identifiers: Orphanet 662367, MedGen C5393830, MONDO:0013656, OMIM 614255.

Submission:

Labcorp Genetics (formerly Invitae), Labcorp
Classification: Uncertain significance for Hereditary spastic paraplegia 30; Neuropathy, hereditary sensory, type 2C; Intellectual disability, autosomal dominant 9. Last evaluated: 2024-01-22. Review status: criteria provided, single submitter. Criteria: Invitae Variant Classification Sherloc (09022015). Collection method: clinical testing. Allele origin: germline.
Comment: This sequence change replaces serine, which is neutral and polar, with arginine, which is basic and polar, at codon 1427 of the KIF1A protein (p.Ser1427Arg). This variant is not present in population databases (gnomAD no frequency). This variant has not been reported in the literature in individuals affected with KIF1A-related conditions. Advanced modeling of protein sequence and biophysical properties (such as structural, functional, and spatial information, amino acid conservation, physicochemical variation, residue mobility, and thermodynamic stability) performed at Invitae indicates that this missense variant is not expected to disrupt KIF1A protein function with a negative predictive value of 95%. In summary, the available evidence is currently insufficient to determine the role of this variant in disease. Therefore, it has been classified as a Variant of Uncertain Significance.